The following is an entry in ClinVar:

NM_000492.4(CFTR):c.149C>A (p.Ser50Tyr)

Gene: CFTR (CF transmembrane conductance regulator; plus strand). Cytogenetic location: 7q31.2.
Variant type: single nucleotide variant.
Coding change: c.149C>A on transcript NM_000492.4 (MANE Select); coding-DNA position 149, C replaced by A.
Protein change: p.Ser50Tyr; replaces serine 50 with tyrosine.
Molecular consequence: missense variant.
Genome position (GRCh38, 1-based): chr7:117,504,348, C>A. VCF-style: chr7-117504348-C-A. GRCh37 (hg19) VCF-style: chr7-117144402-C-A.
Other names: short protein forms S50Y.
Identifiers: ClinVar variation 53269 (VCV000053269.15), dbSNP rs397508220, ClinGen allele CA326509.
Genomic context (GRCh38, chr7:117,504,348, plus strand): 5'-AGCGCCTGGAATTGTCAGACATATACCAAATCCCTTCTGTTGATTCTGCTGACAATCTAT[C>A]TGAAAAATTGGAAAGGTATGTTCATGTACATTGTTTAGTTGAAGAGAGAAATTCATATTA-3'
Protein context (NP_000483.3, residues 40-60): IPSVDSADNL[Ser50Tyr]EKLEREWDRE

ClinVar aggregate classification (germline): Conflicting classifications of pathogenicity. Review status: criteria provided, conflicting classifications (1 of 4 stars). 8 submissions from 8 submitters: Likely pathogenic (1); Uncertain significance (4). 3 of the submissions do not count toward it. Last evaluated 2026-04-23.

Conditions:
CFTR-related disorder (CFTR-RD). Also called: CFTR-related disorders; CFTR-related condition. Identifiers: MedGen C5924204, MONDO:7770004.
Bronchiectasis with or without elevated sweat chloride 1 (BESC1). Also called: Cystic Fibrosis-Like Syndrome. Identifiers: Orphanet 60033, MedGen C2749757, MONDO:0008887, OMIM 211400.
Hereditary pancreatitis (PCTT). Also called: PRSS1-Related Hereditary Pancreatitis; Hereditary chronic pancreatitis. Identifiers: Orphanet 676, MedGen C0238339, MONDO:0008185, OMIM 167800.
Cystic fibrosis (CF). Also called: MUCOVISCIDOSIS. Identifiers: Orphanet 586, MedGen C0010674, MONDO:0009061, OMIM 219700. Disease mechanism: loss of function.
Congenital bilateral aplasia of vas deferens from CFTR mutation (CBAVD). Identifiers: Orphanet 48, MedGen C0403814, MONDO:0010178, OMIM 277180. Disease mechanism: loss of function.

Allele frequency attached by ClinVar (database versions not stated): gnomAD 0.00001; TOPMed below 0.00001.

Submissions (8):

Women's Health and Genetics/Laboratory Corporation of America, LabCorp
Classification: Uncertain significance. Last evaluated: 2026-04-23. Review status: criteria provided, single submitter. Criteria: LabCorp Variant Classification Summary - May 2015. Collection method: clinical testing. Allele origin: germline.
Comment: Variant summary: CFTR c.149C>A (p.Ser50Tyr) results in a non-conservative amino acid change in the encoded protein sequence. Algorithms developed to predict the effect of missense changes on protein structure and function all suggest that this variant is likely to be disruptive. The variant was absent in 250440 control chromosomes. c.149C>A has been observed in the presumed compound heterozygous state in at least 2 individual(s) affected with Congenital Bilateral Absence Of The Vas Deferens or CFTR-related conditions, however the second allele and phenotype details could not be independently verified in at least 1 of these individuals (example, Zielenski_1997, Dorfman_2010). These data do not allow any conclusion about variant significance. To our knowledge, no experimental evidence demonstrating an impact on protein function has been reported. A different variant affecting the same codon has been classified as likely pathogenic/pathogenic (c.148T>C, p.Ser50Pro) by our lab, supporting the critical relevance of codon 50 to CFTR protein function. The following publications have been ascertained in the context of this evaluation (PMID: 9067761, 20059485). ClinVar contains an entry for this variant (Variation ID: 53269). Based on the evidence outlined above, the variant was classified as VUS-possibly pathogenic.

Labcorp Genetics (formerly Invitae), Labcorp
Classification: Uncertain significance for Cystic fibrosis. Last evaluated: 2025-10-24. Review status: criteria provided, single submitter. Criteria: Invitae Variant Classification Sherloc (09022015). Collection method: clinical testing. Allele origin: germline.
Comment: This sequence change replaces serine, which is neutral and polar, with tyrosine, which is neutral and polar, at codon 50 of the CFTR protein (p.Ser50Tyr). This variant is not present in population databases (gnomAD no frequency). This missense change has been observed in individual(s) with congenital bilateral absence of vas deferens (CBAVD) (PMID: 9067761). ClinVar contains an entry for this variant (Variation ID: 53269). Invitae Evidence Modeling of protein sequence and biophysical properties (such as structural, functional, and spatial information, amino acid conservation, physicochemical variation, residue mobility, and thermodynamic stability) has been performed for this missense variant. However, the output from this modeling did not meet the statistical confidence thresholds required to predict the impact of this variant on CFTR protein function. This variant disrupts the p.Ser50 amino acid residue in CFTR. Other variant(s) that disrupt this residue have been determined to be pathogenic (PMID: 10612827, 25697318; internal data). This suggests that this residue is clinically significant, and that variants that disrupt this residue are likely to be disease-causing. In summary, the available evidence is currently insufficient to determine the role of this variant in disease. Therefore, it has been classified as a Variant of Uncertain Significance.

Fulgent Genetics
Classification: Likely pathogenic for Hereditary pancreatitis; Bronchiectasis with or without elevated sweat chloride 1; Cystic fibrosis; Congenital bilateral aplasia of vas deferens from CFTR mutation. Last evaluated: 2024-06-20. Review status: criteria provided, single submitter. Criteria: ACMG Guidelines, 2015. Collection method: clinical testing. Allele origin: germline.

Ambry Genetics
Classification: Uncertain significance for Cystic fibrosis. Last evaluated: 2024-03-08. Review status: criteria provided, single submitter. Criteria: Ambry Variant Classification Scheme 2023. Collection method: clinical testing. Allele origin: germline.
Comment: The p.S50Y variant (also known as c.149C>A), located in coding exon 2 of the CFTR gene, results from a C to A substitution at nucleotide position 149. The serine at codon 50 is replaced by tyrosine, an amino acid with dissimilar properties. This alteration was described in an individual with congenital bilateral absence of the vas deferens (CBAVD), who was reported to also carry deltaF508 in trans (Zielenski J et al. Hum. Mutat., 1997;9:183-4). Of note, this alteration is also designated as 281C>A in published literature. This amino acid position is highly conserved in available vertebrate species. In addition, this alteration is predicted to be deleterious by in silico analysis. Since supporting evidence is limited at this time, the clinical significance of this alteration remains unclear.

Genome-Nilou Lab
Classification: Uncertain significance for Cystic fibrosis. Last evaluated: 2021-09-05. Review status: criteria provided, single submitter. Criteria: ACMG Guidelines, 2015. Collection method: clinical testing. Allele origin: germline. Affected: no.

Natera, Inc.
Classification: Uncertain significance for CFTR-related disorders. Last evaluated: 2019-03-27. Review status: no assertion criteria provided. Collection method: clinical testing. Allele origin: germline. Not counted in ClinVar's aggregate classification.

Counsyl
Classification: Uncertain significance for Cystic fibrosis. Last evaluated: 2017-01-03. Review status: no assertion criteria provided. Collection method: clinical testing. Allele origin: unknown. Not counted in ClinVar's aggregate classification.

ClinVar Staff, National Center for Biotechnology Information (NCBI)
No classification provided. Condition: CFTR-related disorders. Review status: no classification provided. Collection method: literature only. Allele origin: germline. Affected: yes. Not counted in ClinVar's aggregate classification.

Literature cited by the submitters: PubMed 20059485 (cited by Women's Health and Genetics/Laboratory Corporation of America, LabCorp and ClinVar Staff, National Center for Biotechnology Information (NCBI)); PubMed 9067761 (cited by 4 submitters); PubMed 10612827 (cited by Labcorp Genetics (formerly Invitae), Labcorp); PubMed 25697318 (cited by Labcorp Genetics (formerly Invitae), Labcorp).